The following is an entry in ClinVar:

ClinVar aggregate classification (germline): Pathogenic (1 of 4 stars; one submission).

Submission:

Labcorp Genetics (formerly Invitae), Labcorp
Classification: Pathogenic. Last evaluated: 2025-05-30. Review status: criteria provided, single submitter. Criteria: Invitae Variant Classification Sherloc (09022015). Collection method: clinical testing. Allele origin: germline.
Comment: This sequence change creates a premature translational stop signal (p.Leu736Profs*6) in the PDE6A gene. It is expected to result in an absent or disrupted protein product. Loss-of-function variants in PDE6A are known to be pathogenic (PMID: 7493036, 22128245, 23847139). This variant is not present in population databases (gnomAD no frequency). This variant has not been reported in the literature in individuals affected with PDE6A-related conditions. ClinVar contains an entry for this variant (Variation ID: 2752150). For these reasons, this variant has been classified as Pathogenic.

Literature cited by the submitters: PubMed 7493036; PubMed 22128245; PubMed 23847139.

NM_000440.3(PDE6A):c.2206dup (p.Leu736fs)

Gene: PDE6A (phosphodiesterase 6A; minus strand). Cytogenetic location: 5q32.
Variant type: Duplication.
Coding change: c.2206dup on transcript NM_000440.3 (MANE Select); coding-DNA position 2206, one base duplicated (C; older notation c.2206dupC).
Protein change: p.Leu736fs; shifts the reading frame from leucine 736.
Molecular consequence: frameshift variant.
Genome position (GRCh38, 1-based): chr5:149,867,793, G duplicated on the plus strand (C on the coding strand, the reverse complement: PDE6A is on the minus strand). VCF-style (leftmost placement, unchanged base first): chr5-149867792-A-AG. GRCh37 (hg19) VCF-style: chr5-149247355-A-AG.
Other names: c.1963dup, p.Leu655fs (NM_001410788.1); short protein forms L655fs, L736fs.
Identifiers: ClinVar variation 2752150 (VCV002752150.3), dbSNP rs2480441768, ClinGen allele CA2697546541.
Genomic context (GRCh38, chr5:149,867,792, plus strand): 5'-TTCTGTTGCAGCACCGTGCGCTCCAGGTCACCTTGTTCCCAGAATTCAGCAGCCACCAGC[A>AG]GAGCTACCTGCAACAGACAGACCCTCACACACGCAGAGTCAGAGCCCCAGCCCAATCCCC-3'